The following is an entry in ClinVar:

NM_000163.5(GHR):c.784+6A>G

Gene: GHR (growth hormone receptor; plus strand). Cytogenetic location: 5p12.
Variant type: single nucleotide variant.
Coding change: c.784+6A>G on transcript NM_000163.5 (MANE Select); 6 bases into the intron after coding-DNA position 784, A replaced by G.
Molecular consequence: intron variant.
Genome position (GRCh38, 1-based): chr5:42,711,378, A>G. VCF-style: chr5-42711378-A-G. GRCh37 (hg19) VCF-style: chr5-42711480-A-G.
Other names: c.718+6A>G (NM_001242460.2); c.784+6A>G (NM_001242400.2, NM_001242401.4, NM_001242402.2 and 5 more transcripts); c.805+6A>G (NM_001242399.2).
Identifiers: ClinVar variation 1442875 (VCV001442875.6), dbSNP rs201032284, ClinGen allele CA3254488.
Genomic context (GRCh38, chr5:42,711,378, plus strand): 5'-AGTGAGGTGCTCTATGTAACACTTCCTCAGATGAGCCAATTTACATGTGAAGAAGGTAAA[A>G]GAAATAAAAGATTAAAATAGTAGCTAACCTGGCTTTTGTCAATATAACAGTTGATTCACC-3'

ClinVar aggregate classification (germline): Conflicting classifications of pathogenicity. Review status: criteria provided, conflicting classifications (1 of 4 stars). 2 submissions from 2 submitters: Uncertain significance (1); Likely benign (1). Last evaluated 2024-10-12.

Conditions:
Hypercholesterolemia, familial, 1. Also called: LDL RECEPTOR DISORDER; Hyperlipoproteinemia Type IIa; HYPER-LOW-DENSITY-LIPOPROTEINEMIA; HYPERCHOLESTEROLEMIC XANTHOMATOSIS, FAMILIAL; Fredrickson type IIa hyperlipoproteinemia; Hyperlipoproteinemia type 2. Identifiers: Orphanet 391665, MedGen C0745103, MONDO:0007750, OMIM 143890.
Laron-type isolated somatotropin defect. Also called: GROWTH HORMONE RECEPTOR DEFICIENCY; Laron Syndrome; Growth hormone binding protein deficiency or dysfunction; Growth hormone receptor deficiency or dysfunction; Laron dwarfism; Laron type pituitary dwarfism I. Identifiers: Orphanet 633, MedGen C0271568, MONDO:0009877, OMIM 262500.

Allele frequency attached by ClinVar (database versions not stated): ExAC 0.00002; gnomAD 0.00003 and 0.00005; gnomAD exomes 0.00003; TOPMed 0.00003; 1000 Genomes Project 30x 0.00016; 1000 Genomes Project 0.00020.
gnomAD v4.1: 56 of 1,597,726 alleles (0.0035%); highest among the groups gnomAD compares: Middle Eastern, 0.083%; no homozygotes.

Submissions (2):

Labcorp Genetics (formerly Invitae), Labcorp
Classification: Uncertain significance. Last evaluated: 2024-10-12. Review status: criteria provided, single submitter. Criteria: Invitae Variant Classification Sherloc (09022015). Collection method: clinical testing. Allele origin: germline.
Comment: This sequence change falls in intron 7 of the GHR gene. It does not directly change the encoded amino acid sequence of the GHR protein. It affects a nucleotide within the consensus splice site. This variant is present in population databases (rs201032284, gnomAD 0.006%). This variant has not been reported in the literature in individuals affected with GHR-related conditions. ClinVar contains an entry for this variant (Variation ID: 1442875). Variants that disrupt the consensus splice site are a relatively common cause of aberrant splicing (PMID: 17576681, 9536098). Algorithms developed to predict the effect of sequence changes on RNA splicing suggest that this variant is not likely to affect RNA splicing. In summary, the available evidence is currently insufficient to determine the role of this variant in disease. Therefore, it has been classified as a Variant of Uncertain Significance.

3billion
Classification: Likely benign for Hypercholesterolemia, familial, 1; Laron-type isolated somatotropin defect. Last evaluated: 2024-09-20. Review status: criteria provided, single submitter. Criteria: ACMG Guidelines, 2015. Collection method: clinical testing. Allele origin: germline. Affected: no.
Comment: The homozygous variant was found in patients diagnosed with another variant in a different gene, with no symptoms related to the gene containing the homozygous variant.

Literature cited by the submitters: PubMed 17576681 (cited by Labcorp Genetics (formerly Invitae), Labcorp); PubMed 9536098 (cited by Labcorp Genetics (formerly Invitae), Labcorp).